The following is an entry in ClinVar:

ClinVar aggregate classification (germline): Uncertain significance (1 of 4 stars; one submission).

Conditions:
Generalized epilepsy with febrile seizures plus, type 7 (GEFSP7). Also called: GEFS+, TYPE 7. Identifiers: Orphanet 36387, MedGen C2751778, MONDO:0013470, OMIM 613863.
Neuropathy, hereditary sensory and autonomic, type 2A (HSAN2A). Also called: HSAN IIA; ACROOSTEOLYSIS, GIACCAI TYPE; ACROOSTEOLYSIS, NEUROGENIC; MORVAN DISEASE; NEUROPATHY, CONGENITAL SENSORY; NEUROPATHY, HEREDITARY SENSORY RADICULAR, AUTOSOMAL RECESSIVE. Identifiers: Orphanet 970, MedGen C2752089, MONDO:0024309, OMIM 201300.

Submission:

Labcorp Genetics (formerly Invitae), Labcorp
Classification: Uncertain significance for Neuropathy, hereditary sensory and autonomic, type 2A; Generalized epilepsy with febrile seizures plus, type 7. Last evaluated: 2022-10-10. Review status: criteria provided, single submitter. Criteria: Invitae Variant Classification Sherloc (09022015). Collection method: clinical testing. Allele origin: germline.
Comment: This variant is not present in population databases (gnomAD no frequency). This sequence change replaces valine, which is neutral and non-polar, with alanine, which is neutral and non-polar, at codon 235 of the SCN9A protein (p.Val235Ala). In summary, the available evidence is currently insufficient to determine the role of this variant in disease. Therefore, it has been classified as a Variant of Uncertain Significance. Advanced modeling of protein sequence and biophysical properties (such as structural, functional, and spatial information, amino acid conservation, physicochemical variation, residue mobility, and thermodynamic stability) has been performed at Invitae for this missense variant, however the output from this modeling did not meet the statistical confidence thresholds required to predict the impact of this variant on SCN9A protein function. This variant has not been reported in the literature in individuals affected with SCN9A-related conditions.

NM_001365536.1(SCN9A):c.704T>C (p.Val235Ala)

Gene: SCN9A (sodium voltage-gated channel alpha subunit 9; minus strand). Cytogenetic location: 2q24.3.
Variant type: single nucleotide variant.
Coding change: c.704T>C on transcript NM_001365536.1 (MANE Select); coding-DNA position 704, T replaced by C.
Protein change: p.Val235Ala; replaces valine 235 with alanine.
Molecular consequence: missense variant.
Genome position (GRCh38, 1-based): chr2:166,303,287, A>G on the plus strand (T>C on the coding strand, the complement: SCN9A is on the minus strand). VCF-style: chr2-166303287-A-G. GRCh37 (hg19) VCF-style: chr2-167159797-A-G.
Other names: c.704T>C, p.Val235Ala (NM_002977.4); short protein forms V235A.
Identifiers: ClinVar variation 2012118 (VCV002012118.4), dbSNP rs2468118632, ClinGen allele CA349093235.